The following is an entry in ClinVar:

ClinVar aggregate classification (germline): Uncertain significance (1 of 4 stars; one submission).

Conditions:
PLXNA1-related disorder. Also called: PLXNA1-related condition.

gnomAD v4.1: 30 of 1,613,800 alleles (0.0019%); highest among the groups gnomAD compares: African/African-American, 0.0053%; no homozygotes.

Submission:

PreventionGenetics, part of Exact Sciences
Classification: Uncertain significance for PLXNA1-related condition. Last evaluated: 2026-07-06. Review status: criteria provided, single submitter. Criteria: ACMG Guidelines, 2015. Collection method: clinical testing. Allele origin: germline.
Comment: The PLXNA1 c.4819G>A variant is predicted to result in the amino acid substitution p.Ala1607Thr. To our knowledge, this variant has not been reported in the literature. This variant is reported in 0.0062% of alleles in individuals of African descent in gnomAD. At this time, the clinical significance of this variant is uncertain due to the absence of conclusive functional and genetic evidence.

NM_032242.4(PLXNA1):c.4819G>A (p.Ala1607Thr)

Gene: PLXNA1 (plexin A1; plus strand). Cytogenetic location: 3q21.3.
Variant type: single nucleotide variant.
Coding change: c.4819G>A on transcript NM_032242.4 (MANE Select); coding-DNA position 4819, G replaced by A.
Protein change: p.Ala1607Thr; replaces alanine 1607 with threonine.
Molecular consequence: missense variant.
Genome position (GRCh38, 1-based): chr3:127,029,485, G>A. VCF-style: chr3-127029485-G-A. GRCh37 (hg19) VCF-style: chr3-126748328-G-A.
Other names: short protein forms A1607T.
Identifiers: ClinVar variation 4979742 (VCV004979742.1).